The following is an entry in ClinVar:

NM_020180.4(CELF4):c.1218G>A (p.Pro406=)

Gene: CELF4 (CUGBP Elav-like family member 4; minus strand). Cytogenetic location: 18q12.2.
Variant type: single nucleotide variant.
Coding change: c.1218G>A on transcript NM_020180.4 (MANE Select); coding-DNA position 1218, G replaced by A.
Protein change: p.Pro406=; no amino-acid change (proline 406 retained).
Molecular consequence: synonymous variant. On other transcripts: non-coding transcript variant (11).
Genome position (GRCh38, 1-based): chr18:37,264,705, C>T on the plus strand (G>A on the coding strand, the complement: CELF4 is on the minus strand). VCF-style: chr18-37264705-C-T. GRCh37 (hg19) VCF-style: chr18-34844668-C-T.
Other names: c.1215G>A, p.Pro405= (NM_001025087.2, NM_001353696.2, NM_001353698.2 and 7 more transcripts); c.1212G>A, p.Pro404= (NM_001025088.2, NM_001330603.2, NM_001353724.2 and 8 more transcripts); c.1188G>A, p.Pro396= (NM_001025089.2, NM_001353703.2, NM_001353715.2 and 1 more transcripts); c.1182G>A, p.Pro394= (NM_001353695.2, NM_001353699.2, NM_001353706.2 and 9 more transcripts); c.1185G>A, p.Pro395= (NM_001353697.2, NM_001353700.2, NM_001353707.2 and 8 more transcripts); c.1209G>A, p.Pro403= (NM_001353702.2, NM_001353716.2, NM_001353718.2 and 1 more transcripts); c.1179G>A, p.Pro393= (NM_001353705.2, NM_001353711.2, NM_001353714.2 and 3 more transcripts); c.1218G>A, p.Pro406= (NM_001353708.2, NM_001353734.2, NM_001353740.2); and 6 more.
Identifiers: ClinVar variation 728639 (VCV000728639.7), dbSNP rs78311159, ClinGen allele CA8943437.
Genomic context (GRCh38, chr18:37,264,705, plus strand): 5'-GGGGCCCAGGAGCTGGCCTGCAGACTCACCTTCTCTCTGCTGCTGGGGGATCATTGGAGG[C>T]GGCTGAGGAAAGGCCTGGCTTATCTGACCATAGGCAGCAGGGTAGGCAGCTGCTGGAGGC-3'
Protein context (NP_064565.1, residues 396-416): YGQISQAFPQ[Pro406=]PPMIPQQQRE

ClinVar aggregate classification (germline): Benign. Review status: criteria provided, multiple submitters, no conflicts (2 of 4 stars). 3 submissions from 3 submitters: Benign (2). 1 of the submissions does not count toward it. Last evaluated 2019-12-31.

Conditions:
CELF4-related disorder. Also called: CELF4-related condition.

Allele frequency attached by ClinVar (database versions not stated): ESP Exome Variant Server 0.00015; gnomAD exomes 0.00042 and 0.00072; gnomAD 0.00059 and 0.00061; TOPMed 0.00073; ExAC 0.00118; 1000 Genomes Project 0.00140; 1000 Genomes Project 30x 0.00141.
gnomAD v4.1: 737 of 1,579,972 alleles (0.047%); highest among the groups gnomAD compares: East Asian, 0.89%; 3 homozygotes.

Submissions (3):

Labcorp Genetics (formerly Invitae), Labcorp
Classification: Benign. Last evaluated: 2019-12-31. Review status: criteria provided, single submitter. Criteria: Invitae Variant Classification Sherloc (09022015). Collection method: clinical testing. Allele origin: germline.

Breakthrough Genomics
Classification: Benign. Review status: criteria provided, single submitter. Criteria: ACMG Guidelines, 2015. Collection method: not provided. Allele origin: germline. Inheritance: Unknown mechanism. Affected: yes.

PreventionGenetics, part of Exact Sciences
Classification: Likely benign for CELF4-related condition. Last evaluated: 2019-04-25. Review status: no assertion criteria provided. Collection method: clinical testing. Allele origin: germline. Not counted in ClinVar's aggregate classification.
Comment: This variant is classified as likely benign based on ACMG/AMP sequence variant interpretation guidelines (Richards et al. 2015 PMID: 25741868, with internal and published modifications).